The following is an entry in ClinVar:

NM_016592.5(GNAS):c.334G>C (p.Glu112Gln)

Genes: GNAS (GNAS complex locus; plus strand), GNAS-AS1 (GNAS antisense RNA 1; minus strand). Cytogenetic location: 20q13.32.
Variant type: single nucleotide variant.
Coding change: c.334G>C on transcript NM_016592.5 (MANE Plus Clinical); coding-DNA position 334, G replaced by C.
Protein change: p.Glu112Gln; replaces glutamic acid 112 with glutamine.
Molecular consequence: missense variant. On other transcripts: 5 prime UTR variant (1).
Genome position (GRCh38, 1-based): chr20:58,840,440, G>C. VCF-style: chr20-58840440-G-C. GRCh37 (hg19) VCF-style: chr20-57415495-G-C.
Other names: c.-404G>C (NM_001410912.1); short protein forms E112Q.
Identifiers: ClinVar variation 2652434 (VCV002652434.23), dbSNP rs201307445, ClinGen allele CA409451562.

ClinVar aggregate classification (germline): Uncertain significance. Review status: criteria provided, multiple submitters, no conflicts (2 of 4 stars). 2 submissions from 2 submitters: Uncertain significance (2). Last evaluated 2026-02-09.

Conditions:
GNAS-related disorder. Identifiers: MedGen CN380105.

gnomAD v4.1: 2 of 1,613,440 alleles (0.00012%); highest among the groups gnomAD compares: Non-Finnish European, 0.000085%; no homozygotes.

Submissions (2):

PreventionGenetics, part of Exact Sciences
Classification: Uncertain significance for GNAS-related condition. Last evaluated: 2026-02-09. Review status: criteria provided, single submitter. Criteria: ACMG Guidelines, 2015. Collection method: clinical testing. Allele origin: germline.
Comment: The GNAS c.334G>C variant is predicted to result in the amino acid substitution p.Glu112Gln. Of note, in the more commonly reported transcript (NM_000516.5) this variant is pre-coding (c.-51287G>C). To our knowledge, this variant has not been reported in the literature or in a large population database (gnomAD), indicating this variant is rare. At this time, the clinical significance of this variant is uncertain due to the absence of conclusive functional and genetic evidence.

CeGaT Center for Human Genetics Tuebingen
Classification: Uncertain significance. Last evaluated: 2023-08-01. Review status: criteria provided, single submitter. Criteria: CeGaT Center For Human Genetics Tuebingen Variant Classification Criteria Version 2. Collection method: clinical testing. Allele origin: germline. Affected: yes. Observed: 1 variant allele.
Comment: GNAS: PM2, PM5, BP4